The following is an entry in ClinVar:

ClinVar aggregate classification (germline): Pathogenic (1 of 4 stars; one submission).

Conditions:
Developmental and epileptic encephalopathy 96. Identifiers: MedGen C5543446, MONDO:0023659, OMIM 619340.

Submission:

Excellence Center for Genomics and Precision Medicine, King Chulalongkorn Memorial Hospital
Classification: Pathogenic for Developmental and epileptic encephalopathy 96. Last evaluated: 2025-10-01. Review status: criteria provided, single submitter. Criteria: ACMG Guidelines, 2015. Collection method: clinical testing. Allele origin: germline. Affected: yes.
Comment: PS2, PP3_strong, PM2_supporting

NM_006178.4(NSF):c.664G>A (p.Gly222Ser)

Genes: LRRC37A2 (leucine rich repeat containing 37 member A2), NSF (N-ethylmaleimide sensitive factor, vesicle fusing ATPase; plus strand). Cytogenetic location: 17q21.31.
Variant type: single nucleotide variant.
Coding change: c.664G>A on transcript NM_006178.4 (MANE Select); coding-DNA position 664, G replaced by A.
Protein change: p.Gly222Ser; replaces glycine 222 with serine.
Molecular consequence: missense variant. On other transcripts: non-coding transcript variant (1).
Genome position (GRCh38, 1-based): chr17:46,643,178, G>A. VCF-style: chr17-46643178-G-A. GRCh37 (hg19) VCF-style: chr17-44720544-G-A.
Other names: short protein forms G222S.
Identifiers: ClinVar variation 4538544 (VCV004538544.1).